The following is an entry in ClinVar:

ClinVar aggregate classification (germline): Uncertain significance. Review status: criteria provided, multiple submitters, no conflicts (2 of 4 stars). 2 submissions from 2 submitters: Uncertain significance (2). Last evaluated 2026-01-27.

Conditions:
Familial hypobetalipoproteinemia 1. Also called: APOB-Related Familial Hypobetalipoproteinemia; Hypobetalipoproteinemia, normotriglyceridemic; Acanthocytosis with hypobetalipoproteinemia. Identifiers: MedGen C4551990, MONDO:0014252, OMIM 615558.
Hypercholesterolemia, autosomal dominant, type B (FHCL2). Also called: APOLIPOPROTEIN B-100, FAMILIAL DEFECTIVE; APOLIPOPROTEIN B-100, FAMILIAL LIGAND-DEFECTIVE; HYPERCHOLESTEROLEMIA, FAMILIAL, DUE TO LIGAND-DEFECTIVE APOLIPOPROTEIN B; Hyperlipoproteinemia Type IIb; Familial Hypercholesterolemia Type B; Familial hypercholesterolemia 2. Identifiers: MedGen C1704417, MONDO:0007751, OMIM 144010.

gnomAD v4.1: 1 of 1,614,062 alleles (0.000062%); highest among the groups gnomAD compares: Admixed American, 0.0017%; no homozygotes.

Submissions (2):

Labcorp Genetics (formerly Invitae), Labcorp
Classification: Uncertain significance for Familial hypobetalipoproteinemia 1; Hypercholesterolemia, autosomal dominant, type B. Last evaluated: 2026-01-27. Review status: criteria provided, single submitter. Criteria: Invitae Variant Classification Sherloc (09022015). Collection method: clinical testing. Allele origin: germline.
Comment: This sequence change replaces lysine, which is basic and polar, with threonine, which is neutral and polar, at codon 717 of the APOB protein (p.Lys717Thr). This variant is not present in population databases (gnomAD no frequency). This variant has not been reported in the literature in individuals affected with APOB-related conditions. Invitae Evidence Modeling of protein sequence and biophysical properties (such as structural, functional, and spatial information, amino acid conservation, physicochemical variation, residue mobility, and thermodynamic stability) indicates that this missense variant is not expected to disrupt APOB protein function with a negative predictive value of 95%. In summary, the available evidence is currently insufficient to determine the role of this variant in disease. Therefore, it has been classified as a Variant of Uncertain Significance.

Blueprint Genetics
Classification: Uncertain significance. Last evaluated: 2022-11-07. Review status: criteria provided, single submitter. Criteria: ACMG Guidelines, 2015. Collection method: clinical testing. Allele origin: germline.

NM_000384.3(APOB):c.2150A>C (p.Lys717Thr)

Gene: APOB (apolipoprotein B; minus strand). Cytogenetic location: 2p24.1.
Variant type: single nucleotide variant.
Coding change: c.2150A>C on transcript NM_000384.3 (MANE Select); coding-DNA position 2150, A replaced by C.
Protein change: p.Lys717Thr; replaces lysine 717 with threonine.
Molecular consequence: missense variant.
Genome position (GRCh38, 1-based): chr2:21,026,882, T>G on the plus strand (A>C on the coding strand, the complement: APOB is on the minus strand). VCF-style: chr2-21026882-T-G. GRCh37 (hg19) VCF-style: chr2-21249754-T-G.
Other names: short protein forms K717T.
Identifiers: ClinVar variation 4785224 (VCV004785224.2).
Genomic context (GRCh38, chr2:21,026,882, plus strand): 5'-TGGTCCACTAAGACCTTAGAGACACCATCAGGAACTTGACCATTAACCCAGTACAAAGCT[T>G]TGTTGACACTGTCTGGGAAAAATCCTTGCTTCCCAAAAAGAGCTTCCAATGTTGGCTCAA-3'
Protein context (NP_000375.3, residues 707-727): KQGFFPDSVN[Lys717Thr]ALYWVNGQVP